The following is an entry in ClinVar:

ClinVar aggregate classification (germline): Uncertain significance (1 of 4 stars; one submission).

Conditions:
Cystic fibrosis (CF). Also called: MUCOVISCIDOSIS. Identifiers: Orphanet 586, MedGen C0010674, MONDO:0009061, OMIM 219700. Disease mechanism: loss of function.

Submission:

Ambry Genetics
Classification: Uncertain significance for Cystic fibrosis. Last evaluated: 2023-12-08. Review status: criteria provided, single submitter. Criteria: Ambry Variant Classification Scheme 2023. Collection method: clinical testing. Allele origin: germline.
Comment: The p.Y380N variant (also known as c.1138T>A), located in coding exon 9 of the CFTR gene, results from a T to A substitution at nucleotide position 1138. The tyrosine at codon 380 is replaced by asparagine, an amino acid with dissimilar properties. This amino acid position is conserved. In addition, this alteration is predicted to be deleterious by in silico analysis. Since supporting evidence is limited at this time, the clinical significance of this alteration remains unclear.

NM_000492.4(CFTR):c.1138T>A (p.Tyr380Asn)

Gene: CFTR (CF transmembrane conductance regulator; plus strand). Cytogenetic location: 7q31.2.
Variant type: single nucleotide variant.
Coding change: c.1138T>A on transcript NM_000492.4 (MANE Select); coding-DNA position 1138, T replaced by A.
Protein change: p.Tyr380Asn; replaces tyrosine 380 with asparagine.
Molecular consequence: missense variant.
Genome position (GRCh38, 1-based): chr7:117,542,037, T>A. VCF-style: chr7-117542037-T-A. GRCh37 (hg19) VCF-style: chr7-117182091-T-A.
Other names: short protein forms Y380N.
Identifiers: ClinVar variation 3231819 (VCV003231819.1), dbSNP rs2485030206, ClinGen allele CA368979903.